The following is an entry in ClinVar:

NM_001379403.1(WDR26):c.1509C>T (p.Gly503=)

Gene: WDR26 (WD repeat domain 26; minus strand). Cytogenetic location: 1q42.12.
Variant type: single nucleotide variant.
Coding change: c.1509C>T on transcript NM_001379403.1 (MANE Select); coding-DNA position 1509, C replaced by T.
Protein change: p.Gly503=; no amino-acid change (glycine 503 retained).
Molecular consequence: synonymous variant.
Genome position (GRCh38, 1-based): chr1:224,404,520, G>A on the plus strand (C>T on the coding strand, the complement: WDR26 is on the minus strand). VCF-style: chr1-224404520-G-A. GRCh37 (hg19) VCF-style: chr1-224592222-G-A.
Other names: c.1161C>T, p.Gly387= (NM_001115113.3); c.1209C>T, p.Gly403= (NM_025160.7).
Identifiers: ClinVar variation 4681360 (VCV004681360.5).

ClinVar aggregate classification (germline): Likely benign (1 of 4 stars; one submission).

gnomAD v4.1: 95 of 1,613,814 alleles (0.0059%); highest among the groups gnomAD compares: Non-Finnish European, 0.0071%; no homozygotes.

Submission:

CeGaT Center for Human Genetics Tuebingen
Classification: Likely benign. Last evaluated: 2025-12-01. Review status: criteria provided, single submitter. Criteria: CeGaT Center For Human Genetics Tuebingen Variant Classification Criteria Version 2. Collection method: clinical testing. Allele origin: germline. Affected: yes. Observed: 1 variant allele.
Comment: WDR26: BP4, BP7